The following is an entry in ClinVar:

NM_001048174.2(MUTYH):c.5G>T (p.Arg2Met)

Gene: MUTYH (mutY DNA glycosylase; minus strand). Cytogenetic location: 1p34.1.
Variant type: single nucleotide variant.
Coding change: c.5G>T on transcript NM_001048174.2 (MANE Select); coding-DNA position 5, G replaced by T.
Protein change: p.Arg2Met; replaces arginine 2 with methionine.
Molecular consequence: missense variant. On other transcripts: 5 prime UTR variant (7), non-coding transcript variant (7).
Genome position (GRCh38, 1-based): chr1:45,334,501, C>A on the plus strand (G>T on the coding strand, the complement: MUTYH is on the minus strand). VCF-style: chr1-45334501-C-A. GRCh37 (hg19) VCF-style: chr1-45800173-C-A.
Other names: c.-208G>T (NM_001293192.2, NM_001293196.2, NM_001407091.1); c.5G>T, p.Arg2Met (NM_001293195.2, NM_001407070.1, NM_001407071.1 and 15 more transcripts); c.-267G>T (NM_001350650.2); c.-203G>T (NM_001350651.2, NM_001407082.1); c.47G>T, p.Arg16Met (NM_001407069.1, NM_001407073.1, NM_012222.3 and 2 more transcripts); c.23G>T, p.Arg8Met (NM_001407087.1); c.-152G>T (NM_001407075.1); short protein forms R2M, R8M, R16M.
Identifiers: ClinVar variation 4113682 (VCV004113682.1).
Genomic context (GRCh38, chr1:45,334,501, plus strand): 5'-CTCCCTTCCTGGCTGGCTGCCTGCTTCCTGTGACCACTTCCCACGGCTGCTCGTGGCTTC[C>A]TCATGATGGCCTGAAACAAAAAGACCCAGCCAAAGCAGTCAGTCACAATGAGGCCAAATT-3'
Protein context (NP_001041639.1, residues 1-12): M[Arg2Met]KPRAAVGSGH

ClinVar aggregate classification (germline): Uncertain significance (1 of 4 stars; one submission).

Conditions:
Hereditary cancer-predisposing syndrome. Also called: Hereditary neoplastic syndrome; Neoplastic Syndromes, Hereditary; Tumor predisposition; Hereditary Cancer Syndrome. Identifiers: Orphanet 140162, MedGen C0027672, MeSH D009386, MONDO:0015356.

Submission:

Ambry Genetics
Classification: Uncertain significance for Hereditary cancer-predisposing syndrome. Last evaluated: 2025-08-27. Review status: criteria provided, single submitter. Criteria: Ambry Variant Classification Scheme 2023. Collection method: clinical testing. Allele origin: germline.
Comment: The p.R16M variant (also known as c.47G>T), located in coding exon 2 of the MUTYH gene, results from a G to T substitution at nucleotide position 47. The arginine at codon 16 is replaced by methionine, an amino acid with similar properties. This amino acid position is conserved. In addition, this alteration is predicted to be tolerated by in silico analysis. Based on the available evidence, the clinical significance of this variant remains unclear.